The following is an entry in ClinVar:

ClinVar aggregate classification (germline): Uncertain significance (1 of 4 stars; one submission).

Conditions:
Cardiovascular phenotype. Identifiers: MedGen CN230736.

Submission:

Ambry Genetics
Classification: Uncertain significance for Cardiovascular phenotype. Last evaluated: 2023-04-03. Review status: criteria provided, single submitter. Criteria: Ambry Variant Classification Scheme 2023. Collection method: clinical testing. Allele origin: germline.
Comment: The p.E2447K variant (also known as c.7339G>A), located in coding exon 2 of the ZNF469 gene, results from a G to A substitution at nucleotide position 7339. The glutamic acid at codon 2447 is replaced by lysine, an amino acid with similar properties. This amino acid position is conserved. In addition, this alteration is predicted to be tolerated by in silico analysis. Since supporting evidence is limited at this time, the clinical significance of this alteration remains unclear.

NM_001367624.2(ZNF469):c.7423G>A (p.Glu2475Lys)

Gene: ZNF469 (zinc finger protein 469; plus strand). Cytogenetic location: 16q24.2.
Variant type: single nucleotide variant.
Coding change: c.7423G>A on transcript NM_001367624.2 (MANE Select); coding-DNA position 7423, G replaced by A.
Protein change: p.Glu2475Lys; replaces glutamic acid 2475 with lysine.
Molecular consequence: missense variant.
Genome position (GRCh38, 1-based): chr16:88,434,893, G>A. VCF-style: chr16-88434893-G-A. GRCh37 (hg19) VCF-style: chr16-88501301-G-A.
Other names: NM_001127464.1:c.7339G>A; short protein forms E2475K.
Identifiers: ClinVar variation 2564216 (VCV002564216.2), dbSNP rs2507596467, ClinGen allele CA397110128.